The following is an entry in ClinVar:

ClinVar aggregate classification (germline): Uncertain significance (1 of 4 stars; one submission).

Submission:

Labcorp Genetics (formerly Invitae), Labcorp
Classification: Uncertain significance. Last evaluated: 2022-05-30. Review status: criteria provided, single submitter. Criteria: Invitae Variant Classification Sherloc (09022015). Collection method: clinical testing. Allele origin: germline.
Comment: This sequence change replaces serine, which is neutral and polar, with leucine, which is neutral and non-polar, at codon 858 of the KIF11 protein (p.Ser858Leu). This variant is not present in population databases (gnomAD no frequency). This variant has not been reported in the literature in individuals affected with KIF11-related conditions. Algorithms developed to predict the effect of missense changes on protein structure and function are either unavailable or do not agree on the potential impact of this missense change (SIFT: "Deleterious"; PolyPhen-2: "Benign"; Align-GVGD: "Class C0"). In summary, the available evidence is currently insufficient to determine the role of this variant in disease. Therefore, it has been classified as a Variant of Uncertain Significance.

NM_004523.4(KIF11):c.2573C>T (p.Ser858Leu)

Gene: KIF11 (kinesin family member 11; plus strand). Cytogenetic location: 10q23.33.
Variant type: single nucleotide variant.
Coding change: c.2573C>T on transcript NM_004523.4 (MANE Select); coding-DNA position 2573, C replaced by T.
Protein change: p.Ser858Leu; replaces serine 858 with leucine.
Molecular consequence: missense variant.
Genome position (GRCh38, 1-based): chr10:92,648,237, C>T. VCF-style: chr10-92648237-C-T. GRCh37 (hg19) VCF-style: chr10-94407994-C-T.
Other names: short protein forms S858L.
Identifiers: ClinVar variation 1932012 (VCV001932012.5), dbSNP rs2492540806, ClinGen allele CA377805348.